The following is an entry in ClinVar:

NM_005167.7(PPM1J):c.639G>T (p.Leu213Phe)

Gene: PPM1J (protein phosphatase, Mg2+/Mn2+ dependent 1J; minus strand). Cytogenetic location: 1p13.2.
Variant type: single nucleotide variant.
Coding change: c.639G>T on transcript NM_005167.7 (MANE Select); coding-DNA position 639, G replaced by T.
Protein change: p.Leu213Phe; replaces leucine 213 with phenylalanine.
Molecular consequence: missense variant.
Genome position (GRCh38, 1-based): chr1:112,712,834, C>A on the plus strand (G>T on the coding strand, the complement: PPM1J is on the minus strand). VCF-style: chr1-112712834-C-A. GRCh37 (hg19) VCF-style: chr1-113255456-C-A.
Other names: NC_000001.10:g.113255456C>A; short protein forms L213F.
Identifiers: ClinVar variation 1182540 (VCV001182540.4), dbSNP rs34611728, ClinGen allele CA1010861.
Genomic context (GRCh38, chr1:112,712,834, plus strand): 5'-CACTACCAGGCTCTCGTGGCTCACTTCCTTCTGTGAAGACCAGCAGGACTGAGGGCCAAG[C>A]AAGTGAGAGGGATCGGAGGAATCTGGGGTCCCCGGAGTGGTTGGGAGGCAGAGGGGTGGT-3'
Protein context (NP_005158.5, residues 203-223): GTPDSSDPSH[Leu213Phe]LGPQSCWSSQ

ClinVar aggregate classification (germline): Benign. Review status: criteria provided, multiple submitters, no conflicts (2 of 4 stars). 2 submissions from 2 submitters: Benign (2). Last evaluated 2021-02-25.

Allele frequency attached by ClinVar (database versions not stated): 1000 Genomes Project 30x 0.04466; 1000 Genomes Project 0.04752; TOPMed 0.07878; gnomAD 0.08783 and 0.08827; ESP Exome Variant Server 0.09449; gnomAD exomes 0.09777 and 0.11857; ExAC 0.09866.

Submissions (7):

GeneDx
Classification: Benign. Last evaluated: 2021-02-25. Review status: criteria provided, single submitter. Criteria: GeneDx Variant Classification Process June 2021. Collection method: clinical testing. Allele origin: germline. Affected: yes.
Comment: This variant is associated with the following publications: (PMID: 27920155)

Breakthrough Genomics
Classification: Benign. Review status: criteria provided, single submitter. Criteria: ACMG Guidelines, 2015. Collection method: not provided. Allele origin: germline. Inheritance: Unknown mechanism. Affected: yes.

Dr. Peter K. Rogan Lab, Western University
No classification provided (evidence only). Condition: Familial cancer of breast. Review status: no classification provided. Collection method: in vitro. Allele origin: not applicable. Functional consequence: retained intron. Not counted in ClinVar's aggregate classification.

Dr. Peter K. Rogan Lab, Western University
No classification provided (evidence only). Condition: Cholangiocarcinoma. Review status: no classification provided. Collection method: in vitro. Allele origin: not applicable. Functional consequence: retained intron. Not counted in ClinVar's aggregate classification.

Dr. Peter K. Rogan Lab, Western University
No classification provided (evidence only). Condition: Adrenocortical carcinoma, hereditary. Review status: no classification provided. Collection method: in vitro. Allele origin: not applicable. Functional consequence: retained intron. Not counted in ClinVar's aggregate classification.

Dr. Peter K. Rogan Lab, Western University
No classification provided (evidence only). Condition: Uterine carcinosarcoma. Review status: no classification provided. Collection method: in vitro. Allele origin: not applicable. Functional consequence: retained intron. Not counted in ClinVar's aggregate classification.

Dr. Peter K. Rogan Lab, Western University
No classification provided (evidence only). Condition: Uterine carcinosarcoma. Review status: no classification provided. Collection method: in vitro. Allele origin: not applicable. Functional consequence: retained intron. Not counted in ClinVar's aggregate classification.